The following is an entry in ClinVar:

ClinVar aggregate classification (germline): Pathogenic. Review status: criteria provided, multiple submitters, no conflicts (2 of 4 stars). 2 submissions from 2 submitters: Pathogenic (2). Last evaluated 2024-08-01.

Conditions:
TSC2-related disorder. Also called: TSC2-related condition; TSC2-Related Disorders.
Tuberous sclerosis 2 (TSC2). Identifiers: Orphanet 805, MedGen C1860707, MONDO:0013199, OMIM 613254.

Submissions (2):

Blueprint Genetics
Classification: Pathogenic for TSC2-related disorders. Last evaluated: 2024-08-01. Review status: criteria provided, single submitter. Criteria: ACMG Guidelines, 2015. Collection method: clinical testing. Allele origin: germline. Affected: yes. Observed: 1 variant allele.

Labcorp Genetics (formerly Invitae), Labcorp
Classification: Pathogenic for Tuberous sclerosis 2. Last evaluated: 2020-06-28. Review status: criteria provided, single submitter. Criteria: Invitae Variant Classification Sherloc (09022015). Collection method: clinical testing. Allele origin: germline.
Comment: For these reasons, this variant has been classified as Pathogenic. Loss-of-function variants in TSC2 are known to be pathogenic (PMID: 10205261, 17304050). This truncation has been observed in individual(s) with clinical features of tuberous sclerosis complex (PMID: 28087349). This variant is not present in population databases (ExAC no frequency). This sequence change creates a premature translational stop signal (p.Trp1194*) in the TSC2 gene. It is expected to result in an absent or disrupted protein product.

Literature cited by the submitters: PubMed 10205261 (cited by Labcorp Genetics (formerly Invitae), Labcorp); PubMed 17304050 (cited by Labcorp Genetics (formerly Invitae), Labcorp); PubMed 28087349 (cited by Labcorp Genetics (formerly Invitae), Labcorp).

NM_000548.5(TSC2):c.3582G>A (p.Trp1194Ter)

Gene: TSC2 (TSC complex subunit 2; plus strand). Cytogenetic location: 16p13.3.
Variant type: single nucleotide variant.
Coding change: c.3582G>A on transcript NM_000548.5 (MANE Select); coding-DNA position 3582, G replaced by A.
Protein change: p.Trp1194Ter; replaces tryptophan 1194 with a stop codon.
Molecular consequence: nonsense.
Genome position (GRCh38, 1-based): chr16:2,080,349, G>A. VCF-style: chr16-2080349-G-A. GRCh37 (hg19) VCF-style: chr16-2130350-G-A.
Other names: c.3450G>A, p.Trp1150Ter (NM_001077183.3, NM_001370404.1); c.3582G>A, p.Trp1194Ter (NM_001114382.3); c.3342G>A, p.Trp1114Ter (NM_001318827.2); c.3306G>A, p.Trp1102Ter (NM_001318829.2); c.2850G>A, p.Trp950Ter (NM_001318831.2); c.3483G>A, p.Trp1161Ter (NM_001318832.2); c.3453G>A, p.Trp1151Ter (NM_001363528.2, NM_001370405.1, NM_021055.3); short protein forms W1102*, W1114*, W1150*, W1151*, W1161*, W1194*, W950*.
Identifiers: ClinVar variation 1072663 (VCV001072663.10), dbSNP rs2151462008, ClinGen allele CA394289644.